The following is an entry in ClinVar:

ClinVar aggregate classification (germline): Uncertain significance. Review status: criteria provided, multiple submitters, no conflicts (2 of 4 stars). 4 submissions from 4 submitters: Uncertain significance (3). 1 of the submissions does not count toward it. Last evaluated 2024-05-02.

Conditions:
Bardet-Biedl syndrome (BBS). Identifiers: Orphanet 110, MedGen C0752166, MONDO:0015229.
TTC8-related disorder. Also called: TTC8-related condition.
Bardet-Biedl syndrome 8 (BBS8). Identifiers: Orphanet 110, MedGen C1859566, MONDO:0014436, OMIM 615985.
Retinitis pigmentosa 51 (RP51). Identifiers: Orphanet 791, MedGen C3150715, MONDO:0013274, OMIM 613464.

Allele frequency attached by ClinVar (database versions not stated): gnomAD exomes below 0.00001; TOPMed 0.00003; ESP Exome Variant Server 0.00008.
gnomAD v4.1: 10 of 1,613,592 alleles (0.00062%); highest among the groups gnomAD compares: African/African-American, 0.013%; no homozygotes.

Submissions (4):

Fulgent Genetics
Classification: Uncertain significance for Retinitis pigmentosa 51; Bardet-Biedl syndrome 8. Last evaluated: 2024-05-02. Review status: criteria provided, single submitter. Criteria: ACMG Guidelines, 2015. Collection method: clinical testing. Allele origin: germline.

Labcorp Genetics (formerly Invitae), Labcorp
Classification: Uncertain significance for Bardet-Biedl syndrome. Last evaluated: 2022-09-27. Review status: criteria provided, single submitter. Criteria: Invitae Variant Classification Sherloc (09022015). Collection method: clinical testing. Allele origin: germline.
Comment: In summary, the available evidence is currently insufficient to determine the role of this variant in disease. Therefore, it has been classified as a Variant of Uncertain Significance. Advanced modeling of protein sequence and biophysical properties (such as structural, functional, and spatial information, amino acid conservation, physicochemical variation, residue mobility, and thermodynamic stability) performed at Invitae indicates that this missense variant is expected to disrupt TTC8 protein function. ClinVar contains an entry for this variant (Variation ID: 960774). This variant has not been reported in the literature in individuals affected with TTC8-related conditions. This variant is not present in population databases (gnomAD no frequency). This sequence change replaces glycine, which is neutral and non-polar, with arginine, which is basic and polar, at codon 229 of the TTC8 protein (p.Gly229Arg).

Blueprint Genetics
Classification: Uncertain significance. Last evaluated: 2022-06-01. Review status: criteria provided, single submitter. Criteria: ACMG Guidelines, 2015. Collection method: clinical testing. Allele origin: germline.

PreventionGenetics, part of Exact Sciences
Classification: Uncertain significance for TTC8-related condition. Last evaluated: 2024-06-17. Review status: no assertion criteria provided. Collection method: clinical testing. Allele origin: germline. Not counted in ClinVar's aggregate classification.
Comment: The TTC8 c.715G>C variant is predicted to result in the amino acid substitution p.Gly239Arg. To our knowledge, this variant has not been reported in the literature or in a large population database, indicating this variant is rare. At this time, the clinical significance of this variant is uncertain due to the absence of conclusive functional and genetic evidence.

NM_144596.4(TTC8):c.715G>C (p.Gly239Arg)

Gene: TTC8 (tetratricopeptide repeat domain 8; plus strand). Cytogenetic location: 14q31.3.
Variant type: single nucleotide variant.
Coding change: c.715G>C on transcript NM_144596.4 (MANE Select); coding-DNA position 715, G replaced by C.
Protein change: p.Gly239Arg; replaces glycine 239 with arginine.
Molecular consequence: missense variant. On other transcripts: 5 prime UTR variant (1), non-coding transcript variant (1).
Genome position (GRCh38, 1-based): chr14:88,857,194, G>C. VCF-style: chr14-88857194-G-C. GRCh37 (hg19) VCF-style: chr14-89323538-G-C.
Other names: c.763G>C, p.Gly255Arg (NM_001288781.1); c.121G>C, p.Gly41Arg (NM_001288782.1); c.-3G>C (NM_001288783.1); c.685G>C, p.Gly229Arg (NM_001366535.2, NM_198309.3); c.595G>C, p.Gly199Arg (NM_001366536.2, NM_198310.3); c.715G>C (NM_144596.3); short protein forms G41R, G255R, G199R, G229R, G239R.
Identifiers: ClinVar variation 960774 (VCV000960774.8), dbSNP rs374351698, ClinGen allele CA264567104.